The following is an entry in ClinVar:

NM_152594.3(SPRED1):c.376+15C>A

Gene: SPRED1 (sprouty related EVH1 domain containing 1; plus strand). Cytogenetic location: 15q14.
Variant type: single nucleotide variant.
Coding change: c.376+15C>A on transcript NM_152594.3 (MANE Select); 15 bases into the intron after coding-DNA position 376, C replaced by A.
Molecular consequence: intron variant.
Genome position (GRCh38, 1-based): chr15:38,322,424, C>A. VCF-style: chr15-38322424-C-A. GRCh37 (hg19) VCF-style: chr15-38614625-C-A.
Identifiers: ClinVar variation 1734671 (VCV001734671.3), dbSNP rs2542696071, ClinGen allele CA2580089308.
Genomic context (GRCh38, chr15:38,322,424, plus strand): 5'-GCTTTTGATAGAGGTATCCGAAGAGCTATAGAGGATATTTCTCAAGGTAGGTATTCTTGA[C>A]TATTTTCTTAATTTATTTATCGGTTATATATAGTAGAGGTTATCTTTCTTAAAGTTGACC-3'

ClinVar aggregate classification (germline): Uncertain significance (1 of 4 stars; one submission).

Conditions:
Cardiovascular phenotype. Identifiers: MedGen CN230736.

Submission:

Ambry Genetics
Classification: Uncertain significance for Cardiovascular phenotype. Last evaluated: 2026-02-23. Review status: criteria provided, single submitter. Criteria: Ambry Variant Classification Scheme 2023. Collection method: clinical testing. Allele origin: germline.
Comment: The c.376+15C>A intronic variant results from a C to A substitution 15 nucleotides after coding exon 3 in the SPRED1 gene. This nucleotide position is not well conserved in available vertebrate species. In silico splice site analysis predicts that this alteration will not have any significant effect on splicing. Based on the available evidence, the clinical significance of this variant remains unclear.